The following is an entry in ClinVar:

NM_000702.4(ATP1A2):c.1368G>A (p.Lys456=)

Gene: ATP1A2 (ATPase Na+/K+ transporting subunit alpha 2; plus strand). Cytogenetic location: 1q23.2.
Variant type: single nucleotide variant.
Coding change: c.1368G>A on transcript NM_000702.4 (MANE Select); coding-DNA position 1368, G replaced by A.
Protein change: p.Lys456=; no amino-acid change (lysine 456 retained).
Molecular consequence: synonymous variant.
Genome position (GRCh38, 1-based): chr1:160,129,307, G>A. VCF-style: chr1-160129307-G-A. GRCh37 (hg19) VCF-style: chr1-160099097-G-A.
Identifiers: ClinVar variation 382131 (VCV000382131.16), dbSNP rs369226331, ClinGen allele CA1194471.

ClinVar aggregate classification (germline): Likely benign. Review status: criteria provided, multiple submitters, no conflicts (2 of 4 stars). 4 submissions from 4 submitters: Likely benign (3). 1 of the submissions does not count toward it. Last evaluated 2025-11-25.

Conditions:
ATP1A2-related disorder. Also called: ATP1A2-related condition; ATP1A2-RELATED DISORDERS.
Inborn genetic diseases. Identifiers: MedGen C0950123, MeSH D030342.
Familial hemiplegic migraine. Identifiers: MedGen C0338484, MONDO:0000700.

Allele frequency attached by ClinVar (database versions not stated): ExAC 0.00001; gnomAD exomes 0.00001 and 0.00002; gnomAD 0.00005 and 0.00006; ESP Exome Variant Server 0.00008; TOPMed 0.00008.
gnomAD v4.1: 17 of 1,614,048 alleles (0.0011%); highest among the groups gnomAD compares: African/African-American, 0.02%; no homozygotes.

Submissions (4):

Labcorp Genetics (formerly Invitae), Labcorp
Classification: Likely benign for Familial hemiplegic migraine. Last evaluated: 2025-11-25. Review status: criteria provided, single submitter. Criteria: Invitae Variant Classification Sherloc (09022015). Collection method: clinical testing. Allele origin: germline.

Ambry Genetics
Classification: Likely benign for Inborn genetic diseases. Last evaluated: 2017-05-26. Review status: criteria provided, single submitter. Criteria: Ambry Variant Classification Scheme 2023. Collection method: clinical testing. Allele origin: germline.

GeneDx
Classification: Likely benign. Last evaluated: 2015-11-30. Review status: criteria provided, single submitter. Criteria: GeneDx Variant Classification (06012015). Collection method: clinical testing. Allele origin: germline. Affected: yes.
Comment: This variant is considered likely benign or benign based on one or more of the following criteria: it is a conservative change, it occurs at a poorly conserved position in the protein, it is predicted to be benign by multiple in silico algorithms, and/or has population frequency not consistent with disease.

PreventionGenetics, part of Exact Sciences
Classification: Likely benign for ATP1A2-related condition. Last evaluated: 2024-08-15. Review status: no assertion criteria provided. Collection method: clinical testing. Allele origin: germline. Not counted in ClinVar's aggregate classification.
Comment: This variant is classified as likely benign based on ACMG/AMP sequence variant interpretation guidelines (Richards et al. 2015 PMID: 25741868, with internal and published modifications).